The following is an entry in ClinVar:

NM_000264.5(PTCH1):c.588G>A (p.Gln196=)

Gene: PTCH1 (patched 1; minus strand). Cytogenetic location: 9q22.32.
Variant type: single nucleotide variant.
Coding change: c.588G>A on transcript NM_000264.5 (MANE Select); coding-DNA position 588, G replaced by A.
Protein change: p.Gln196=; no amino-acid change (glutamine 196 retained).
Molecular consequence: synonymous variant. On other transcripts: non-coding transcript variant (1).
Genome position (GRCh38, 1-based): chr9:95,482,200, C>T on the plus strand (G>A on the coding strand, the complement: PTCH1 is on the minus strand). VCF-style: chr9-95482200-C-T. GRCh37 (hg19) VCF-style: chr9-98244482-C-T.
Other names: c.390G>A, p.Gln130= (NM_001083602.3, NM_001354919.2); c.585G>A, p.Gln195= (NM_001083603.3); c.135G>A, p.Gln45= (NM_001083604.3, NM_001083605.3, NM_001083606.3 and 1 more transcripts); c.588G>A, p.Gln196= (NM_001354918.2).
Identifiers: ClinVar variation 705655 (VCV000705655.15), dbSNP rs775859621, ClinGen allele CA5138896.

ClinVar aggregate classification (germline): Likely benign. Review status: criteria provided, multiple submitters, no conflicts (2 of 4 stars). 3 submissions from 3 submitters: Likely benign (2). 1 of the submissions does not count toward it. Last evaluated 2025-11-27.

Conditions:
PTCH1-related disorder. Also called: PTCH1-related disorders; PTCH1-related condition.
Gorlin syndrome. Also called: Nevoid Basal Cell Carcinoma Syndrome; Basal cell nevus syndrome. Identifiers: Orphanet 377, MedGen C0004779, MONDO:0007187.
Hereditary cancer-predisposing syndrome. Also called: Tumor predisposition; Hereditary neoplastic syndrome; Neoplastic Syndromes, Hereditary; Hereditary Cancer Syndrome. Identifiers: Orphanet 140162, MedGen C0027672, MeSH D009386, MONDO:0015356.

Allele frequency attached by ClinVar (database versions not stated): ExAC 0.00001; gnomAD exomes 0.00001; TOPMed 0.00002; gnomAD 0.00003 and 0.00004.
gnomAD v4.1: 33 of 1,613,748 alleles (0.002%); highest among the groups gnomAD compares: African/African-American, 0.004%; no homozygotes.

Submissions (3):

Labcorp Genetics (formerly Invitae), Labcorp
Classification: Likely benign for Gorlin syndrome. Last evaluated: 2025-11-27. Review status: criteria provided, single submitter. Criteria: Invitae Variant Classification Sherloc (09022015). Collection method: clinical testing. Allele origin: germline.

Ambry Genetics
Classification: Likely benign for Hereditary cancer-predisposing syndrome. Last evaluated: 2020-02-24. Review status: criteria provided, single submitter. Criteria: Ambry Variant Classification Scheme 2023. Collection method: clinical testing. Allele origin: germline.

PreventionGenetics, part of Exact Sciences
Classification: Likely benign for PTCH1-related condition. Last evaluated: 2023-03-25. Review status: no assertion criteria provided. Collection method: clinical testing. Allele origin: germline. Not counted in ClinVar's aggregate classification.
Comment: This variant is classified as likely benign based on ACMG/AMP sequence variant interpretation guidelines (Richards et al. 2015 PMID: 25741868, with internal and published modifications).